The following is an entry in ClinVar:

ClinVar aggregate classification (germline): Likely pathogenic (1 of 4 stars; one submission).

Conditions:
Corneal dystrophy, Fuchs endothelial, 6 (FECD6). Identifiers: Orphanet 98974, MedGen C2750448, MONDO:0013206, OMIM 613270.
Posterior polymorphous corneal dystrophy 3 (PPCD3). Identifiers: Orphanet 98973, MedGen C1836724, MONDO:0012200, OMIM 609141.

Submission:

Juno Genomics, Hangzhou Juno Genomics, Inc
Classification: Likely pathogenic for Corneal dystrophy, Fuchs endothelial, 6; Posterior polymorphous corneal dystrophy 3. Review status: criteria provided, single submitter. Criteria: ACMG Guidelines, 2015. Collection method: clinical testing. Allele origin: germline.
Comment: Null variant in a gene where loss of function (LOF) is a known mechanism of disease.;Absent from controls (or at extremely low frequency if recessive) in Genome Aggregation Database.

NM_001174096.2(ZEB1):c.671_675del (p.Lys224fs)

Gene: ZEB1 (zinc finger E-box binding homeobox 1; plus strand). Cytogenetic location: 10p11.22.
Variant type: Deletion.
Coding change: c.671_675del on transcript NM_001174096.2 (MANE Select); coding-DNA positions 671 to 675, 5 bases deleted (AATCA; older notation c.671_675delAATCA).
Protein change: p.Lys224fs; shifts the reading frame from lysine 224.
Molecular consequence: frameshift variant.
Genome position (GRCh38, 1-based): chr10:31,510,859-31,510,863, AATCA deleted; deleting any 5 consecutive bases within chr10:31,510,858-31,510,863 gives the same sequence; the c. name uses the placement nearest the transcript's 3' end. VCF-style (leftmost placement, unchanged base first): chr10-31510857-TAAATC-T. GRCh37 (hg19) VCF-style: chr10-31799785-TAAATC-T.
Other names: c.620_624del, p.Lys207fs (NM_001128128.3); c.608_612del, p.Lys203fs (NM_001174093.2); c.617_621del, p.Lys206fs (NM_001174094.2); c.467_471del, p.Lys156fs (NM_001174095.2); c.14_18del, p.Lys5fs (NM_001323638.2, NM_001323641.2, NM_001323642.2 and 27 more transcripts); c.446_450del, p.Lys149fs (NM_001323674.2); c.404_408del, p.Lys135fs (NM_001323675.2); c.629_633del, p.Lys210fs (NM_001323676.2); and 3 more; short protein forms K203fs, K206fs, K207fs, K5fs, K156fs, K224fs, K135fs, K132fs.
Identifiers: ClinVar variation 5007711 (VCV005007711.2).